The following is an entry in ClinVar:

NM_001370259.2(MEN1):c.490_498delinsACAT (p.Ala164fs)

Gene: MEN1 (menin 1; minus strand). Cytogenetic location: 11q13.1.
Variant type: Indel.
Coding change: c.490_498delinsACAT on transcript NM_001370259.2 (MANE Select); coding-DNA positions 490 to 498, GCCTGCCAG replaced by ACAT.
Protein change: p.Ala164fs; shifts the reading frame from alanine 164.
Molecular consequence: frameshift variant. On other transcripts: non-coding transcript variant (4).
Genome position (GRCh38, 1-based): chr11:64,808,047-64,808,055, CTGGCAGGC replaced by ATGT on the plus strand (GCCTGCCAG replaced by ACAT on the coding strand, the reverse complement: MEN1 is on the minus strand). VCF-style: chr11-64808047-CTGGCAGGC-ATGT. GRCh37 (hg19) VCF-style: chr11-64575519-CTGGCAGGC-ATGT.
Other names: c.490_498delinsACAT, p.Ala164fs (NM_001407146.1, NM_001407147.1, NM_001407148.1 and 12 more transcripts); c.505_513delinsACAT, p.Ala169fs (NM_001407150.1, NM_000244.4, NM_001407145.1 and 5 more transcripts); short protein forms A164fs, A169fs.
Identifiers: ClinVar variation 5024292 (VCV005024292.1).

ClinVar aggregate classification (germline): Pathogenic (1 of 4 stars; one submission).

Conditions:
Hereditary cancer-predisposing syndrome. Also called: Neoplastic Syndromes, Hereditary; Tumor predisposition; Hereditary neoplastic syndrome; Hereditary Cancer Syndrome. Identifiers: Orphanet 140162, MedGen C0027672, MeSH D009386, MONDO:0015356.

Submission:

Ambry Genetics
Classification: Pathogenic for Hereditary cancer-predisposing syndrome. Last evaluated: 2026-07-08. Review status: criteria provided, single submitter. Criteria: Ambry Variant Classification Scheme 2023. Collection method: clinical testing. Allele origin: germline.
Comment: The c.490_498delGCCTGCCAGinsACAT pathogenic mutation, located in coding exon 2 of the MEN1 gene, results from the deletion of 9 nucleotides and insertion of 4 nucleotides causing a translational frameshift with a predicted alternate stop codon (p.A164Tfs*14). This variant was reported in individual(s) with features consistent with multiple endocrine neoplasia type 1 (Ambry internal data). This variant is considered to be rare based on population cohorts in the Genome Aggregation Database (gnomAD). This alteration is expected to result in loss of function by premature protein truncation or nonsense-mediated mRNA decay. As such, this alteration is interpreted as a disease-causing mutation.